The following is an entry in ClinVar:

ClinVar aggregate classification (germline): Benign (1 of 4 stars; one submission).

Conditions:
Breast-ovarian cancer, familial, susceptibility to, 4. Identifiers: Orphanet 145, MedGen C3280345, MONDO:0013669, OMIM 614291.

Submission:

Myriad Genetics, Inc.
Classification: Benign for Breast-ovarian cancer, familial, susceptibility to, 4. Last evaluated: 2025-02-25. Review status: criteria provided, single submitter. Criteria: Myriad Autosomal Dominant, Autosomal Recessive and X-Linked Classification Criteria (2023). Collection method: clinical testing. Allele origin: unknown.
Comment: This variant is considered benign. This variant is a silent/synonymous amino acid change and it is not expected to impact splicing.

NM_002878.4(RAD51D):c.849A>T (p.Gly283=)

Genes: RAD51D (RAD51 paralog D; minus strand), RAD51L3-RFFL (RAD51L3-RFFL readthrough; minus strand). Cytogenetic location: 17q12.
Variant type: single nucleotide variant.
Coding change: c.849A>T on transcript NM_002878.4 (MANE Select); coding-DNA position 849, A replaced by T.
Protein change: p.Gly283=; no amino-acid change (glycine 283 retained).
Molecular consequence: synonymous variant. On other transcripts: non-coding transcript variant (3).
Genome position (GRCh38, 1-based): chr17:35,101,255, T>A on the plus strand (A>T on the coding strand, the complement: RAD51D is on the minus strand). VCF-style: chr17-35101255-T-A. GRCh37 (hg19) VCF-style: chr17-33428274-T-A.
Other names: c.909A>T, p.Gly303= (NM_001142571.2); c.513A>T, p.Gly171= (NM_133629.3).
Identifiers: ClinVar variation 3904285 (VCV003904285.1).